The following is an entry in ClinVar:

ClinVar aggregate classification (germline): Uncertain significance (1 of 4 stars; one submission).

Submission:

GeneDx
Classification: Uncertain significance. Last evaluated: 2024-02-07. Review status: criteria provided, single submitter. Criteria: GeneDx Variant Classification Process June 2021. Collection method: clinical testing. Allele origin: germline. Affected: yes.
Comment: Not observed at significant frequency in large population cohorts (gnomAD); In silico analysis supports that this missense variant has a deleterious effect on protein structure/function; Has not been previously published as pathogenic or benign to our knowledge.

NM_003036.4(SKI):c.502C>T (p.Pro168Ser)

Gene: SKI (SKI proto-oncogene; plus strand). Cytogenetic location: 1p36.33.
Variant type: single nucleotide variant.
Coding change: c.502C>T on transcript NM_003036.4 (MANE Select); coding-DNA position 502, C replaced by T.
Protein change: p.Pro168Ser; replaces proline 168 with serine.
Molecular consequence: missense variant.
Genome position (GRCh38, 1-based): chr1:2,229,268, C>T. VCF-style: chr1-2229268-C-T. GRCh37 (hg19) VCF-style: chr1-2160707-C-T.
Other names: short protein forms P168S.
Identifiers: ClinVar variation 3340981 (VCV003340981.1).
Genomic context (GRCh38, chr1:2,229,268, plus strand): 5'-ATCTACTGCTCGCGCTGCACGGCCGACCAGCTGGAGATCCTCAAAGTCATGGGCATCCTG[C>T]CCTTCTCGGCGCCCTCGTGCGGGCTCATCACCAAGACGGACGCCGAGCGCCTGTGCAACG-3'
Protein context (NP_003027.1, residues 158-178): LEILKVMGIL[Pro168Ser]FSAPSCGLIT